The following is an entry in ClinVar:

ClinVar aggregate classification (germline): Uncertain significance (1 of 4 stars; one submission).

Conditions:
Aortic aneurysm, familial thoracic 8 (AAT8). Identifiers: MedGen C3809513, MONDO:0014187, OMIM 615436.

Submission:

Labcorp Genetics (formerly Invitae), Labcorp
Classification: Uncertain significance for Aortic aneurysm, familial thoracic 8. Last evaluated: 2019-05-21. Review status: criteria provided, single submitter. Criteria: Invitae Variant Classification Sherloc (09022015). Collection method: clinical testing. Allele origin: germline.
Comment: In summary, the available evidence is currently insufficient to determine the role of this variant in disease. Therefore, it has been classified as a Variant of Uncertain Significance. Algorithms developed to predict the effect of missense changes on protein structure and function are either unavailable or do not agree on the potential impact of this missense change (SIFT: "Tolerated"; PolyPhen-2: "Possibly Damaging"; Align-GVGD: "Class C0"). This variant has not been reported in the literature in individuals with PRKG1-related conditions. This variant is not present in population databases (ExAC no frequency). This sequence change replaces lysine with glutamine at codon 622 of the PRKG1 protein (p.Lys622Gln). The lysine residue is moderately conserved and there is a small physicochemical difference between lysine and glutamine.

NM_006258.4(PRKG1):c.1864A>C (p.Lys622Gln)

Gene: PRKG1 (protein kinase cGMP-dependent 1; plus strand). Cytogenetic location: 10q21.1.
Variant type: single nucleotide variant.
Coding change: c.1864A>C on transcript NM_006258.4 (MANE Select); coding-DNA position 1864, A replaced by C.
Protein change: p.Lys622Gln; replaces lysine 622 with glutamine.
Molecular consequence: missense variant.
Genome position (GRCh38, 1-based): chr10:52,288,962, A>C. VCF-style: chr10-52288962-A-C. GRCh37 (hg19) VCF-style: chr10-54048722-A-C.
Other names: c.1819A>C, p.Lys607Gln (NM_001098512.3); c.655A>C, p.Lys219Gln (NM_001374781.1); short protein forms K219Q, K607Q, K622Q.
Identifiers: ClinVar variation 952026 (VCV000952026.9), dbSNP rs1842179456, ClinGen allele CA376536471.
Genomic context (GRCh38, chr10:52,288,962, plus strand): 5'-ATTTAATAAAACCATTATTTTATTTTTAGGGACAATCCATCAGAAAGATTAGGGAATTTG[A>C]AAAATGGAGTAAAAGACATTCAAAAGCACAAGTAAGTGTTCTTTCTGCAGAGTTCTGAAC-3'
Protein context (NP_006249.1, residues 612-632): DNPSERLGNL[Lys622Gln]NGVKDIQKHK